The following is an entry in ClinVar:

ClinVar aggregate classification (germline): Uncertain significance (1 of 4 stars; one submission).

Conditions:
Cardiovascular phenotype. Identifiers: MedGen CN230736.

Submission:

Ambry Genetics
Classification: Uncertain significance for Cardiovascular phenotype. Last evaluated: 2026-06-21. Review status: criteria provided, single submitter. Criteria: Ambry Variant Classification Scheme 2023. Collection method: clinical testing. Allele origin: germline.
Comment: The p.V1418I variant (also known as c.4252G>A), located in coding exon 10 of the TNXB gene, results from a G to A substitution at nucleotide position 4252. The valine at codon 1418 is replaced by isoleucine, an amino acid with highly similar properties. This amino acid position is conserved. In addition, this alteration is predicted to be tolerated by in silico analysis. Based on the available evidence, the clinical significance of this variant remains unclear.

NM_001365276.2(TNXB):c.4252G>A (p.Val1418Ile)

Gene: TNXB (tenascin XB; minus strand). Cytogenetic location: 6p21.33.
Variant type: single nucleotide variant.
Coding change: c.4252G>A on transcript NM_001365276.2 (MANE Select); coding-DNA position 4252, G replaced by A.
Protein change: p.Val1418Ile; replaces valine 1418 with isoleucine.
Molecular consequence: missense variant.
Genome position (GRCh38, 1-based): chr6:32,079,156, C>T on the plus strand (G>A on the coding strand, the complement: TNXB is on the minus strand). VCF-style: chr6-32079156-C-T. GRCh37 (hg19) VCF-style: chr6-32046933-C-T.
Other names: c.4993G>A, p.Val1665Ile (NM_001428335.1); c.4252G>A, p.Val1418Ile (NM_019105.8); short protein forms V1418I, V1665I.
Identifiers: ClinVar variation 5031006 (VCV005031006.1).
Genomic context (GRCh38, chr6:32,079,156, plus strand): 5'-TCTTGTACTTGTGCCCGGGCTCTAGGCCTCCCACGGTGACCTCACTCTCCTTGCCCCCAA[C>T]ACGCACCGCCCGGGGCCGCCCATCCCTGTCCTTGTACTGCACGGTGAAAGAGTCGAAGCT-3'
Protein context (NP_001352205.1, residues 1408-1428): DRDGRPRAVR[Val1418Ile]GGKESEVTVG